The following is an entry in ClinVar:

ClinVar aggregate classification (germline): Uncertain significance. Review status: criteria provided, multiple submitters, no conflicts (2 of 4 stars). 5 submissions from 5 submitters: Uncertain significance (5). Last evaluated 2026-02-03.

Conditions:
Peroxisome biogenesis disorder, complementation group 7 (CG7). Also called: Peroxisome biogenesis disorder, complementation group B. Identifiers: MedGen C1864399.
Peroxisome biogenesis disorder 6A (Zellweger). Also called: Peroxisome biogenesis disorder 6A. Identifiers: Orphanet 912, MedGen C3553947, MONDO:0013936, OMIM 614870.
Inborn genetic diseases. Identifiers: MedGen C0950123, MeSH D030342.

Allele frequency attached by ClinVar (database versions not stated): gnomAD 0.00006 and 0.00009; gnomAD exomes 0.00010; TOPMed 0.00011; ExAC 0.00012; 1000 Genomes Project 0.00040; 1000 Genomes Project 30x 0.00047.
gnomAD v4.1: 121 of 1,613,426 alleles (0.0075%); highest among the groups gnomAD compares: East Asian, 0.17%; no homozygotes.

Submissions (5):

Genetics and Genomic Medicine Centre, NeuroGen Healthcare, NeuroGen Healthcare
Classification: Uncertain significance for Peroxisome biogenesis disorder 6A (Zellweger). Last evaluated: 2026-02-03. Review status: criteria provided, single submitter. Criteria: ACMG Guidelines, 2015. Collection method: clinical testing. Allele origin: unknown. Affected: yes.

Blueprint Genetics
Classification: Uncertain significance. Last evaluated: 2024-11-25. Review status: criteria provided, single submitter. Criteria: ACMG Guidelines, 2015. Collection method: clinical testing. Allele origin: germline.

Labcorp Genetics (formerly Invitae), Labcorp
Classification: Uncertain significance for Peroxisome biogenesis disorder, complementation group 7. Last evaluated: 2022-07-19. Review status: criteria provided, single submitter. Criteria: Invitae Variant Classification Sherloc (09022015). Collection method: clinical testing. Allele origin: germline.
Comment: This sequence change replaces threonine, which is neutral and polar, with isoleucine, which is neutral and non-polar, at codon 294 of the PEX10 protein (p.Thr294Ile). This variant is present in population databases (rs199683357, gnomAD 0.1%). This variant has not been reported in the literature in individuals affected with PEX10-related conditions. ClinVar contains an entry for this variant (Variation ID: 874477). Algorithms developed to predict the effect of missense changes on protein structure and function (SIFT, PolyPhen-2, Align-GVGD) all suggest that this variant is likely to be tolerated. In summary, the available evidence is currently insufficient to determine the role of this variant in disease. Therefore, it has been classified as a Variant of Uncertain Significance.

Ambry Genetics
Classification: Uncertain significance for Inborn genetic diseases. Last evaluated: 2021-07-08. Review status: criteria provided, single submitter. Criteria: Ambry Variant Classification Scheme 2023. Collection method: clinical testing. Allele origin: germline.

Illumina Laboratory Services, Illumina
Classification: Uncertain significance for Peroxisome biogenesis disorder 6A (Zellweger). Last evaluated: 2018-01-13. Review status: criteria provided, single submitter. Criteria: ICSL Variant Classification Criteria 13 December 2019. Collection method: clinical testing. Allele origin: germline.

NM_002617.4(PEX10):c.821C>T (p.Thr274Ile)

Gene: PEX10 (peroxisomal biogenesis factor 10; minus strand). Cytogenetic location: 1p36.32.
Variant type: single nucleotide variant.
Coding change: c.821C>T on transcript NM_002617.4 (MANE Select); coding-DNA position 821, C replaced by T.
Protein change: p.Thr274Ile; replaces threonine 274 with isoleucine.
Molecular consequence: missense variant. On other transcripts: non-coding transcript variant (1).
Genome position (GRCh38, 1-based): chr1:2,406,575, G>A on the plus strand (C>T on the coding strand, the complement: PEX10 is on the minus strand). VCF-style: chr1-2406575-G-A. GRCh37 (hg19) VCF-style: chr1-2338014-G-A.
Other names: c.878C>T, p.Thr293Ile (NM_001374425.1); c.446C>T, p.Thr149Ile (NM_001374426.1); c.389C>T, p.Thr130Ile (NM_001374427.1); c.881C>T, p.Thr294Ile (NM_153818.2); short protein forms T130I, T293I, T149I, T274I, T294I.
Identifiers: ClinVar variation 874477 (VCV000874477.8), dbSNP rs199683357, ClinGen allele CA538004.